The following is an entry in ClinVar:

NM_001844.5(COL2A1):c.2625+1G>C

Gene: COL2A1 (collagen type II alpha 1 chain; minus strand). Cytogenetic location: 12q13.11.
Variant type: single nucleotide variant.
Coding change: c.2625+1G>C on transcript NM_001844.5 (MANE Select); the canonical splice donor site of the intron after coding-DNA position 2625, G replaced by C.
Molecular consequence: splice donor variant.
Genome position (GRCh38, 1-based): chr12:47,980,553, C>G on the plus strand (G>C on the coding strand, the complement: COL2A1 is on the minus strand). VCF-style: chr12-47980553-C-G. GRCh37 (hg19) VCF-style: chr12-48374336-C-G.
Other names: c.2418+1G>C (NM_033150.3).
Identifiers: ClinVar variation 2844513 (VCV002844513.3), dbSNP rs2540121990, ClinGen allele CA384544336.

ClinVar aggregate classification (germline): Pathogenic (1 of 4 stars; one submission).

Submission:

Labcorp Genetics (formerly Invitae), Labcorp
Classification: Pathogenic. Last evaluated: 2023-04-06. Review status: criteria provided, single submitter. Criteria: Invitae Variant Classification Sherloc (09022015). Collection method: clinical testing. Allele origin: germline.
Comment: Algorithms developed to predict the effect of sequence changes on RNA splicing suggest that this variant may disrupt the consensus splice site. This sequence change affects a donor splice site in intron 39 of the COL2A1 gene. It is expected to disrupt RNA splicing. Variants that disrupt the donor or acceptor splice site typically lead to a loss of protein function (PMID: 16199547), and loss-of-function variants in COL2A1 are known to be pathogenic (PMID: 20179744). This variant is not present in population databases (gnomAD no frequency). Disruption of this splice site has been observed in individuals with Stickler syndrome (PMID: 20513134; Invitae). For these reasons, this variant has been classified as Pathogenic.

Literature cited by the submitters: PubMed 16199547; PubMed 20179744; PubMed 20513134.